The following is an entry in ClinVar:

ClinVar aggregate classification (germline): Uncertain significance. Review status: criteria provided, multiple submitters, no conflicts (2 of 4 stars). 3 submissions from 3 submitters: Uncertain significance (3). Last evaluated 2026-02-01.

Conditions:
Ehlers-Danlos syndrome, classic type, 1 (EDSCL1). Also called: EHLERS-DANLOS SYNDROME, GRAVIS TYPE; EHLERS-DANLOS SYNDROME, SEVERE CLASSIC TYPE; Ehlers-Danlos syndrome, type 1; EDS I; Ehlers-Danlos Syndrome, Classic Type, COL5A1-Related. Identifiers: MedGen C0268335, MONDO:0019567, OMIM 130000.

Allele frequency attached by ClinVar (database versions not stated): gnomAD exomes 0.00001; gnomAD 0.00001.

Submissions (3):

Labcorp Genetics (formerly Invitae), Labcorp
Classification: Uncertain significance for Ehlers-Danlos syndrome, classic type, 1. Last evaluated: 2026-02-01. Review status: criteria provided, single submitter. Criteria: Invitae Variant Classification Sherloc (09022015). Collection method: clinical testing. Allele origin: germline.
Comment: This sequence change replaces proline, which is neutral and non-polar, with leucine, which is neutral and non-polar, at codon 834 of the COL5A1 protein (p.Pro834Leu). This variant is not present in population databases (gnomAD no frequency). This variant has not been reported in the literature in individuals affected with COL5A1-related conditions. ClinVar contains an entry for this variant (Variation ID: 1320415). Invitae Evidence Modeling of protein sequence and biophysical properties (such as structural, functional, and spatial information, amino acid conservation, physicochemical variation, residue mobility, and thermodynamic stability) indicates that this missense variant is not expected to disrupt COL5A1 protein function with a negative predictive value of 95%. In summary, the available evidence is currently insufficient to determine the role of this variant in disease. Therefore, it has been classified as a Variant of Uncertain Significance.

Mayo Clinic Laboratories, Mayo Clinic
Classification: Uncertain significance. Last evaluated: 2023-12-27. Review status: criteria provided, single submitter. Criteria: ACMG Guidelines, 2015. Collection method: clinical testing. Allele origin: germline. Observed: 1 variant allele.
Comment: PM2

GeneDx
Classification: Uncertain significance. Last evaluated: 2019-08-09. Review status: criteria provided, single submitter. Criteria: GeneDx Variant Classification Process June 2021. Collection method: clinical testing. Allele origin: germline. Affected: yes.
Comment: Has not been previously published as pathogenic or benign to our knowledge; Not observed in large population cohorts (Lek et al., 2016); In silico analysis, which includes protein predictors and evolutionary conservation, supports a deleterious effect

NM_000093.5(COL5A1):c.2501C>T (p.Pro834Leu)

Gene: COL5A1 (collagen type V alpha 1 chain; plus strand). Cytogenetic location: 9q34.3.
Variant type: single nucleotide variant.
Coding change: c.2501C>T on transcript NM_000093.5 (MANE Select); coding-DNA position 2501, C replaced by T.
Protein change: p.Pro834Leu; replaces proline 834 with leucine.
Molecular consequence: missense variant.
Genome position (GRCh38, 1-based): chr9:134,785,005, C>T. VCF-style: chr9-134785005-C-T. GRCh37 (hg19) VCF-style: chr9-137676851-C-T.
Other names: p.Pro834Leu; c.2501C>T, p.Pro834Leu (NM_001278074.1); short protein forms P834L.
Identifiers: ClinVar variation 1320415 (VCV001320415.6), dbSNP rs558752105, ClinGen allele CA201105148.